The following is an entry in ClinVar:

NM_000834.5(GRIN2B):c.2455G>T (p.Ala819Ser)

Gene: GRIN2B (glutamate ionotropic receptor NMDA type subunit 2B; minus strand). Cytogenetic location: 12p13.1.
Variant type: single nucleotide variant.
Coding change: c.2455G>T on transcript NM_000834.5 (MANE Select); coding-DNA position 2455, G replaced by T.
Protein change: p.Ala819Ser; replaces alanine 819 with serine.
Molecular consequence: missense variant.
Genome position (GRCh38, 1-based): chr12:13,567,168, C>A on the plus strand (G>T on the coding strand, the complement: GRIN2B is on the minus strand). VCF-style: chr12-13567168-C-A. GRCh37 (hg19) VCF-style: chr12-13720102-C-A.
Other names: short protein forms A819S.
Identifiers: ClinVar variation 1218814 (VCV001218814.6), dbSNP rs1948652117, ClinGen allele CA383996399.

ClinVar aggregate classification (germline): Pathogenic (1 of 4 stars; one submission).

Submission:

GeneDx
Classification: Pathogenic. Last evaluated: 2025-05-05. Review status: criteria provided, single submitter. Criteria: GeneDx Variant Classification Process June 2021. Collection method: clinical testing. Allele origin: germline. Affected: yes.
Comment: Not observed at significant frequency in large population cohorts (gnomAD); In silico analysis supports that this missense variant has a deleterious effect on protein structure/function; Has not been previously published as pathogenic or benign to our knowledge; This variant is associated with the following publications: (PMID: 27839871)